The following is an entry in ClinVar:

ClinVar aggregate classification (germline): Likely benign (1 of 4 stars; one submission).

Submission:

GeneDx
Classification: Likely benign. Last evaluated: 2016-08-03. Review status: criteria provided, single submitter. Criteria: GeneDx Variant Classification (06012015). Collection method: clinical testing. Allele origin: germline. Affected: yes.
Comment: This variant is considered likely benign or benign based on one or more of the following criteria: it is a conservative change, it occurs at a poorly conserved position in the protein, it is predicted to be benign by multiple in silico algorithms, and/or has population frequency not consistent with disease.

NM_001267550.2(TTN):c.90984A>T (p.Pro30328=)

Genes: TTN (titin; minus strand), TTN-AS1 (TTN antisense RNA 1; plus strand). Cytogenetic location: 2q31.2.
Variant type: single nucleotide variant.
Coding change: c.90984A>T on transcript NM_001267550.2 (MANE Select); coding-DNA position 90984, A replaced by T.
Protein change: p.Pro30328=; no amino-acid change (proline 30328 retained).
Molecular consequence: synonymous variant.
Genome position (GRCh38, 1-based): chr2:178,551,916, T>A on the plus strand (A>T on the coding strand, the complement: TTN is on the minus strand). VCF-style: chr2-178551916-T-A. GRCh37 (hg19) VCF-style: chr2-179416643-T-A.
Other names: c.86061A>T, p.Pro28687= (NM_001256850.1); c.63789A>T, p.Pro21263= (NM_003319.4); c.83280A>T, p.Pro27760= (NM_133378.4); c.64164A>T, p.Pro21388= (NM_133432.3); c.64365A>T, p.Pro21455= (NM_133437.4).
Identifiers: ClinVar variation 387840 (VCV000387840.1), dbSNP rs1057522917, ClinGen allele CA16603984.